The following is an entry in ClinVar:

NM_004963.4(GUCY2C):c.1856A>G (p.Asn619Ser)

Gene: GUCY2C (guanylate cyclase 2C; minus strand). Cytogenetic location: 12p12.3.
Variant type: single nucleotide variant.
Coding change: c.1856A>G on transcript NM_004963.4 (MANE Select); coding-DNA position 1856, A replaced by G.
Protein change: p.Asn619Ser; replaces asparagine 619 with serine.
Molecular consequence: missense variant.
Genome position (GRCh38, 1-based): chr12:14,643,648, T>C on the plus strand (A>G on the coding strand, the complement: GUCY2C is on the minus strand). VCF-style: chr12-14643648-T-C. GRCh37 (hg19) VCF-style: chr12-14796582-T-C.
Other names: short protein forms N619S.
Identifiers: ClinVar variation 1509233 (VCV001509233.8), dbSNP rs750234152, ClinGen allele CA6463261.

ClinVar aggregate classification (germline): Uncertain significance (1 of 4 stars; one submission).

Allele frequency attached by ClinVar (database versions not stated): gnomAD exomes below 0.00001 and 0.00001; ExAC 0.00001.
gnomAD v4.1: 3 of 1,613,138 alleles (0.00019%); highest among the groups gnomAD compares: Non-Finnish European, 0.00025%; no homozygotes.

Submission:

Labcorp Genetics (formerly Invitae), Labcorp
Classification: Uncertain significance. Last evaluated: 2020-12-18. Review status: criteria provided, single submitter. Criteria: Invitae Variant Classification Sherloc (09022015). Collection method: clinical testing. Allele origin: germline.
Comment: In summary, the available evidence is currently insufficient to determine the role of this variant in disease. Therefore, it has been classified as a Variant of Uncertain Significance. Algorithms developed to predict the effect of sequence changes on RNA splicing suggest that this variant may create or strengthen a splice site, but this prediction has not been confirmed by published transcriptional studies. This sequence change replaces asparagine with serine at codon 619 of the GUCY2C protein (p.Asn619Ser). The asparagine residue is highly conserved and there is a small physicochemical difference between asparagine and serine. This variant is present in population databases (rs750234152, ExAC 0.001%). This variant has not been reported in the literature in individuals with GUCY2C-related conditions. Algorithms developed to predict the effect of missense changes on protein structure and function output the following: SIFT: "Deleterious"; PolyPhen-2: "Benign"; Align-GVGD: "Class C0". The serine amino acid residue is found in multiple mammalian species, suggesting that this missense change does not adversely affect protein function. These predictions have not been confirmed by published functional studies and their clinical significance is uncertain.